The following is an entry in ClinVar:

ClinVar aggregate classification (germline): Uncertain significance (1 of 4 stars; one submission).

Submission:

GeneDx
Classification: Uncertain significance. Last evaluated: 2024-07-09. Review status: criteria provided, single submitter. Criteria: GeneDx Variant Classification Process June 2021. Collection method: clinical testing. Allele origin: germline. Affected: yes.
Comment: Not observed at significant frequency in large population cohorts (gnomAD); Frameshift variant predicted to result in abnormal protein length as the last 70 amino acids are replaced with 10 different amino acids; Has not been previously published as pathogenic or benign to our knowledge

NM_018105.3(THAP1):c.427_431dup (p.His144fs)

Gene: THAP1 (THAP domain containing 1; minus strand). Cytogenetic location: 8p11.21.
Variant type: Duplication.
Coding change: c.427_431dup on transcript NM_018105.3 (MANE Select); coding-DNA positions 427 to 431, 5 bases duplicated (ATGCA; older notation c.427_431dupATGCA).
Protein change: p.His144fs; shifts the reading frame from histidine 144.
Molecular consequence: frameshift variant. On other transcripts: 3 prime UTR variant (1).
Genome position (GRCh38, 1-based): chr8:42,838,173-42,838,177, TGCAT duplicated on the plus strand (ATGCA on the coding strand, the reverse complement: THAP1 is on the minus strand); duplicating any 5 consecutive bases within chr8:42,838,173-42,838,179 gives the same sequence; the c. name uses the placement nearest the transcript's 3' end. VCF-style (leftmost placement, unchanged base first): chr8-42838172-G-GTGCAT. GRCh37 (hg19) VCF-style: chr8-42693315-G-GTGCAT.
Other names: c.*69_*73dup (NM_199003.2); short protein forms H144fs.
Identifiers: ClinVar variation 3572611 (VCV003572611.1).
Genomic context (GRCh38, chr8:42,838,172, plus strand): 5'-CTTGAGCTTCTTTCTGAGTTTTTCAACTTGCTGTTCTAGCTGATGAATCCTTTTCCGCTG[G>GTGCAT]TGCATTGTATCCTCCACAGTATAGTTGTGGTCACAGAAAACTGAGAGATTAACAGGGGTC-3'